The following is an entry in ClinVar:

ClinVar aggregate classification (germline): Uncertain significance (1 of 4 stars; one submission).

Allele frequency attached by ClinVar (database versions not stated): gnomAD exomes below 0.00001.
gnomAD v4.1: 2 of 1,610,162 alleles (0.00012%); highest among the groups gnomAD compares: Non-Finnish European, 0.00017%; no homozygotes.

Submission:

Labcorp Genetics (formerly Invitae), Labcorp
Classification: Uncertain significance. Last evaluated: 2020-12-11. Review status: criteria provided, single submitter. Criteria: Invitae Variant Classification Sherloc (09022015). Collection method: clinical testing. Allele origin: germline.
Comment: This variant is not present in population databases (ExAC no frequency). In summary, the available evidence is currently insufficient to determine the role of this variant in disease. Therefore, it has been classified as a Variant of Uncertain Significance. Algorithms developed to predict the effect of missense changes on protein structure and function (SIFT, PolyPhen-2, Align-GVGD) all suggest that this variant is likely to be tolerated, but these predictions have not been confirmed by published functional studies and their clinical significance is uncertain. This variant has not been reported in the literature in individuals with RINT1-related conditions. This sequence change replaces lysine with glutamic acid at codon 101 of the RINT1 protein (p.Lys101Glu). The lysine residue is highly conserved and there is a small physicochemical difference between lysine and glutamic acid.

NM_021930.6(RINT1):c.301A>G (p.Lys101Glu)

Gene: RINT1 (RAD50 interactor 1; plus strand). Cytogenetic location: 7q22.3.
Variant type: single nucleotide variant.
Coding change: c.301A>G on transcript NM_021930.6 (MANE Select); coding-DNA position 301, A replaced by G.
Protein change: p.Lys101Glu; replaces lysine 101 with glutamic acid.
Molecular consequence: missense variant. On other transcripts: 5 prime UTR variant (3), non-coding transcript variant (1).
Genome position (GRCh38, 1-based): chr7:105,542,435, A>G. VCF-style: chr7-105542435-A-G. GRCh37 (hg19) VCF-style: chr7-105182882-A-G.
Other names: c.67A>G, p.Lys23Glu (NM_001346599.2); c.-719A>G (NM_001346600.2); c.-622A>G (NM_001346601.2); c.-242A>G (NM_001346603.2); short protein forms K101E, K23E.
Identifiers: ClinVar variation 1410438 (VCV001410438.8), dbSNP rs2133373107, ClinGen allele CA368802867.